The following is an entry in ClinVar:

ClinVar aggregate classification (germline): Uncertain significance. Review status: criteria provided, multiple submitters, no conflicts (2 of 4 stars). 3 submissions from 3 submitters: Uncertain significance (2). 1 of the submissions does not count toward it. Last evaluated 2021-08-24.

Conditions:
Dilated cardiomyopathy 1KK (CMD1KK). Identifiers: Orphanet 154, Orphanet 75249, MedGen C3714995, MONDO:0014100, OMIM 615248.

Allele frequency attached by ClinVar (database versions not stated): ExAC 0.00001; gnomAD exomes 0.00003 and 0.00008; TOPMed 0.00012.
gnomAD v4.1: 52 of 1,614,004 alleles (0.0032%); highest among the groups gnomAD compares: Admixed American, 0.087%; no homozygotes.

Submissions (3):

Labcorp Genetics (formerly Invitae), Labcorp
Classification: Uncertain significance for Dilated cardiomyopathy 1KK. Last evaluated: 2021-08-24. Review status: criteria provided, single submitter. Criteria: Invitae Variant Classification Sherloc (09022015). Collection method: clinical testing. Allele origin: germline.
Comment: This sequence change replaces glycine with aspartic acid at codon 959 of the MYPN protein (p.Gly959Asp). The glycine residue is highly conserved and there is a moderate physicochemical difference between glycine and aspartic acid. This variant is present in population databases (rs771893315, ExAC 0.009%). This variant has not been reported in the literature in individuals affected with MYPN-related conditions. ClinVar contains an entry for this variant (Variation ID: 546298). Algorithms developed to predict the effect of missense changes on protein structure and function are either unavailable or do not agree on the potential impact of this missense change (SIFT: "Deleterious"; PolyPhen-2: "Probably Damaging"; Align-GVGD: "Class C0"). In summary, the available evidence is currently insufficient to determine the role of this variant in disease. Therefore, it has been classified as a Variant of Uncertain Significance.

GeneDx
Classification: Uncertain significance. Last evaluated: 2018-05-14. Review status: criteria provided, single submitter. Criteria: GeneDx Variant Classification (06012015). Collection method: clinical testing. Allele origin: germline. Affected: yes.
Comment: A variant of uncertain significance has been identified in the MYPN gene. The G959D variant has not been published as pathogenic or been reported as benign to our knowledge. This variant is observed in 19/33544 (0.06%) alleles from individuals of Latino ancestry in large population cohorts (Lek et al., 2016). Nevertheless, the G959D variant is a non-conservative amino acid substitution, which is likely to impact secondary protein structure as these residues differ in polarity, charge, size and/or other properties. Finally, in-silico analyses, including protein predictors and evolutionary conservation, support a deleterious effect. Therefore, based on the currently available information, it is unclear whether this variant is pathogenic or rare benign.

Department of Pathology and Laboratory Medicine, Sinai Health System
Classification: Uncertain significance. Review status: no assertion criteria provided. Collection method: clinical testing. Allele origin: unknown. Affected: yes. Study: The Canadian Open Genetics Repository (COGR). Not counted in ClinVar's aggregate classification.
Comment: The MYPN p.G959D variant was not identified in the literature but was identified in dbSNP (ID: rs771893315) and ClinVar (classified as uncertain significance by GeneDx and Invitae). The variant was identified in control databases in 19 of 250814 chromosomes at a frequency of 0.00007575, and was observed only in the Latino population in 19 of 34558 chromosomes (freq: 0.0005498) (Genome Aggregation Database March 6, 2019, v2.1.1). The p.G959 residue is conserved in mammals and more distantly related organisms, and computational analyses (MUT Assesor, PolyPhen-2, SIFT, MutationTaster, Revel, FATHMM, MetaLR, DANN) suggest that the variant may impact the protein; however, this information is not predictive enough to assume pathogenicity. The variant occurs outside of the splicing consensus sequence and in silico or computational prediction software programs (Splice AI exome) do not predict a difference in splicing. In summary, based on the above information the clinical significance of this variant cannot be determined with certainty at this time. This variant is classified as a variant of uncertain significance.

NM_032578.4(MYPN):c.2876G>A (p.Gly959Asp)

Gene: MYPN (myopalladin; plus strand). Cytogenetic location: 10q21.3.
Variant type: single nucleotide variant.
Coding change: c.2876G>A on transcript NM_032578.4 (MANE Select); coding-DNA position 2876, G replaced by A.
Protein change: p.Gly959Asp; replaces glycine 959 with aspartic acid.
Molecular consequence: missense variant. On other transcripts: non-coding transcript variant (2).
Genome position (GRCh38, 1-based): chr10:68,189,077, G>A. VCF-style: chr10-68189077-G-A. GRCh37 (hg19) VCF-style: chr10-69948834-G-A.
Other names: c.2876G>A, p.Gly959Asp (NM_001256267.2); c.1994G>A, p.Gly665Asp (NM_001256268.2); short protein forms G959D, G665D.
Identifiers: ClinVar variation 546298 (VCV000546298.10), dbSNP rs771893315, ClinGen allele CA5522885.